The following is an entry in ClinVar:

NM_001367823.1(ARHGEF18):c.968-72G>T

Gene: ARHGEF18 (Rho/Rac guanine nucleotide exchange factor 18; plus strand). Cytogenetic location: 19p13.2.
Variant type: single nucleotide variant.
Coding change: c.968-72G>T on transcript NM_001367823.1 (MANE Select); 72 bases into the intron before coding-DNA position 968, G replaced by T.
Molecular consequence: intron variant. On other transcripts: missense variant (1), 5 prime UTR variant (1).
Genome position (GRCh38, 1-based): chr19:7,440,272, G>T. VCF-style: chr19-7440272-G-T. GRCh37 (hg19) VCF-style: chr19-7505158-G-T.
Other names: c.170G>T, p.Gly57Val (NM_001130955.2); c.-143G>T (NM_001367824.1); c.-71-72G>T (NM_015318.4); short protein forms G57V.
Identifiers: ClinVar variation 1407814 (VCV001407814.4), dbSNP rs545780094, ClinGen allele CA9136290.

ClinVar aggregate classification (germline): Uncertain significance (1 of 4 stars; one submission).

Allele frequency attached by ClinVar (database versions not stated): gnomAD exomes 0.00004; ExAC 0.00013; TOPMed 0.00014; gnomAD 0.00019 and 0.00021; 1000 Genomes Project 0.00020; 1000 Genomes Project 30x 0.00031.
gnomAD v4.1: 47 of 1,561,528 alleles (0.003%); highest among the groups gnomAD compares: African/African-American, 0.064%; no homozygotes.

Submission:

Labcorp Genetics (formerly Invitae), Labcorp
Classification: Uncertain significance. Last evaluated: 2024-10-22. Review status: criteria provided, single submitter. Criteria: Invitae Variant Classification Sherloc (09022015). Collection method: clinical testing. Allele origin: germline.
Comment: This sequence change replaces glycine, which is neutral and non-polar, with valine, which is neutral and non-polar, at codon 111 of the ARHGEF18 protein (p.Gly111Val). This variant is present in population databases (rs545780094, gnomAD 0.05%). This variant has not been reported in the literature in individuals affected with ARHGEF18-related conditions. ClinVar contains an entry for this variant (Variation ID: 1407814). An algorithm developed to predict the effect of missense changes on protein structure and function (PolyPhen-2) suggests that this variant is likely to be disruptive. In summary, the available evidence is currently insufficient to determine the role of this variant in disease. Therefore, it has been classified as a Variant of Uncertain Significance.